The following is an entry in ClinVar:

ClinVar aggregate classification (germline): Likely benign (0 of 4 stars; one submission).

Conditions:
SEMA3G-related disorder. Also called: SEMA3G-related condition.

gnomAD v4.1: 5 of 1,303,874 alleles (0.00038%); highest among the groups gnomAD compares: African/African-American, 0.0077%; no homozygotes.

Submission:

PreventionGenetics, part of Exact Sciences
Classification: Likely benign for SEMA3G-related condition. Last evaluated: 2024-07-11. Review status: no assertion criteria provided. Collection method: clinical testing. Allele origin: germline.
Comment: This variant is classified as likely benign based on ACMG/AMP sequence variant interpretation guidelines (Richards et al. 2015 PMID: 25741868, with internal and published modifications).

NM_020163.3(SEMA3G):c.115+5C>T

Gene: SEMA3G (semaphorin 3G; minus strand). Cytogenetic location: 3p21.1.
Variant type: single nucleotide variant.
Coding change: c.115+5C>T on transcript NM_020163.3 (MANE Select); 5 bases into the intron after coding-DNA position 115, C replaced by T.
Molecular consequence: intron variant.
Genome position (GRCh38, 1-based): chr3:52,444,908, G>A on the plus strand (C>T on the coding strand, the complement: SEMA3G is on the minus strand). VCF-style: chr3-52444908-G-A. GRCh37 (hg19) VCF-style: chr3-52478924-G-A.
Identifiers: ClinVar variation 3357424 (VCV003357424.1).